The following is an entry in ClinVar:

NM_001105206.3(LAMA4):c.5327-178T>C

Gene: LAMA4 (laminin subunit alpha 4; minus strand). Cytogenetic location: 6q21.
Variant type: single nucleotide variant.
Coding change: c.5327-178T>C on transcript NM_001105206.3 (MANE Select); 178 bases into the intron before coding-DNA position 5327, T replaced by C.
Molecular consequence: intron variant.
Genome position (GRCh38, 1-based): chr6:112,109,760, A>G on the plus strand (T>C on the coding strand, the complement: LAMA4 is on the minus strand). VCF-style: chr6-112109760-A-G. GRCh37 (hg19) VCF-style: chr6-112430963-A-G.
Other names: c.5306-178T>C (NM_002290.5, NM_001105207.3).
Identifiers: ClinVar variation 676369 (VCV000676369.1), dbSNP rs114946536, ClinGen allele CA144876213.
Genomic context (GRCh38, chr6:112,109,760, plus strand): 5'-AAATAGAACATAGTTATAATTGACTCATTTCTCAGTAACATTATTTGCTTGTGAAGTCCT[A>G]TGGACATGTGGTAATTTTAACGTTTTGCCATGTTTTCCATGATCACATTTCTGTGTATTG-3'

ClinVar aggregate classification (germline): Likely benign (1 of 4 stars; one submission).

Allele frequency attached by ClinVar (database versions not stated): gnomAD 0.00693 and 0.00745; 1000 Genomes Project 0.00938; 1000 Genomes Project 30x 0.00953.
gnomAD v4.1: 1,040 of 152,010 alleles (0.68%); highest among the groups gnomAD compares: African/African-American, 2.4%; 10 homozygotes.

Submission:

GeneDx
Classification: Likely benign. Last evaluated: 2018-06-19. Review status: criteria provided, single submitter. Criteria: GeneDx Variant Classification (06012015). Collection method: clinical testing. Allele origin: germline. Affected: yes.
Comment: This variant is considered likely benign or benign based on one or more of the following criteria: it is a conservative change, it occurs at a poorly conserved position in the protein, it is predicted to be benign by multiple in silico algorithms, and/or has population frequency not consistent with disease.